The following is an entry in ClinVar:

NM_001018115.3(FANCD2):c.1338A>C (p.Leu446=)

Genes: FANCD2 (FA complementation group D2; plus strand), LOC107303338 (3p25 FANCD2 Alu-mediated recombination region; plus strand). Cytogenetic location: 3p25.3.
Variant type: single nucleotide variant.
Coding change: c.1338A>C on transcript NM_001018115.3 (MANE Select); coding-DNA position 1338, A replaced by C.
Protein change: p.Leu446=; no amino-acid change (leucine 446 retained).
Molecular consequence: synonymous variant.
Genome position (GRCh38, 1-based): chr3:10,047,976, A>C. VCF-style: chr3-10047976-A-C. GRCh37 (hg19) VCF-style: chr3-10089660-A-C.
Other names: c.1338A>C (NM_001018115.2); c.1338A>C, p.Leu446= (NM_001319984.2, NM_001374253.1, NM_001374254.1 and 1 more transcripts).
Identifiers: ClinVar variation 1091324 (VCV001091324.14), dbSNP rs752268889, ClinGen allele CA2249612.
Genomic context (GRCh38, chr3:10,047,976, plus strand): 5'-GGTTCTTAAGGATATGTGTTCATCCATTCTGTCGCTGGCTCAGAGTTTGCTTCACTCTCT[A>C]GACCAGAGTATAATTTCATTTGGCAGTCTCCTATACAAATATGCATTTAAGTTTTTTGAC-3'
Protein context (NP_001018125.1, residues 436-456): LSLAQSLLHS[Leu446=]DQSIISFGSL

ClinVar aggregate classification (germline): Conflicting classifications of pathogenicity. Review status: criteria provided, conflicting classifications (1 of 4 stars). 3 submissions from 3 submitters: Uncertain significance (1); Likely benign (1). 1 of the submissions does not count toward it. Last evaluated 2022-08-09.

Conditions:
Fanconi anemia (FA). Also called: Fanconi's anemia. Identifiers: Orphanet 84, MedGen C0015625, MeSH D005199, MONDO:0019391.
FANCD2-related disorder. Also called: FANCD2-related condition.

Allele frequency attached by ClinVar (database versions not stated): ExAC 0.00004; gnomAD 0.00007.

Submissions (3):

Labcorp Genetics (formerly Invitae), Labcorp
Classification: Likely benign for Fanconi anemia. Last evaluated: 2022-08-09. Review status: criteria provided, single submitter. Criteria: Invitae Variant Classification Sherloc (09022015). Collection method: clinical testing. Allele origin: germline.

Genetic Services Laboratory, University of Chicago
Classification: Uncertain significance. Last evaluated: 2019-06-11. Review status: criteria provided, single submitter. Criteria: ACMG Guidelines, 2015. Collection method: clinical testing. Allele origin: germline. Affected: no.

PreventionGenetics, part of Exact Sciences
Classification: Likely benign for FANCD2-related condition. Last evaluated: 2022-05-17. Review status: no assertion criteria provided. Collection method: clinical testing. Allele origin: germline. Not counted in ClinVar's aggregate classification.
Comment: This variant is classified as likely benign based on ACMG/AMP sequence variant interpretation guidelines (Richards et al. 2015 PMID: 25741868, with internal and published modifications).